The following is an entry in ClinVar:

NM_138713.4(NFAT5):c.4342A>G (p.Met1448Val)

Gene: NFAT5 (nuclear factor of activated T cells 5; plus strand). Cytogenetic location: 16q22.1.
Variant type: single nucleotide variant.
Coding change: c.4342A>G on transcript NM_138713.4 (MANE Select); coding-DNA position 4342, A replaced by G.
Protein change: p.Met1448Val; replaces methionine 1448 with valine.
Molecular consequence: missense variant.
Genome position (GRCh38, 1-based): chr16:69,694,167, A>G. VCF-style: chr16-69694167-A-G. GRCh37 (hg19) VCF-style: chr16-69728070-A-G.
Other names: c.4339A>G, p.Met1447Val (NM_001113178.3); c.3667A>G, p.Met1223Val (NM_001367709.1); c.4288A>G, p.Met1430Val (NM_006599.4); c.4060A>G, p.Met1354Val (NM_138714.4, NM_173214.3, NM_173215.3); short protein forms M1430V, M1447V, M1448V, M1223V, M1354V.
Identifiers: ClinVar variation 1348359 (VCV001348359.8), dbSNP rs760790791, ClinGen allele CA8136039.

ClinVar aggregate classification (germline): Uncertain significance (1 of 4 stars; one submission).

Conditions:
Immunodeficiency. Identifiers: MedGen C0021051, MONDO:0021094, HP:0002721.

Allele frequency attached by ClinVar (database versions not stated): ExAC 0.00001; gnomAD exomes 0.00001.

Submission:

Labcorp Genetics (formerly Invitae), Labcorp
Classification: Uncertain significance for Immunodeficiency. Last evaluated: 2024-02-17. Review status: criteria provided, single submitter. Criteria: Invitae Variant Classification Sherloc (09022015). Collection method: clinical testing. Allele origin: germline.
Comment: This sequence change replaces methionine, which is neutral and non-polar, with valine, which is neutral and non-polar, at codon 1354 of the NFAT5 protein (p.Met1354Val). This variant is present in population databases (rs760790791, gnomAD 0.007%). This variant has not been reported in the literature in individuals affected with NFAT5-related conditions. ClinVar contains an entry for this variant (Variation ID: 1348359). An algorithm developed to predict the effect of missense changes on protein structure and function (PolyPhen-2) suggests that this variant is likely to be tolerated. In summary, the available evidence is currently insufficient to determine the role of this variant in disease. Therefore, it has been classified as a Variant of Uncertain Significance.